The following is an entry in ClinVar:

ClinVar aggregate classification (germline): Uncertain significance (1 of 4 stars; one submission).

gnomAD v4.1: 5 of 1,609,432 alleles (0.00031%); highest among the groups gnomAD compares: African/African-American, 0.0013%; no homozygotes.

Submission:

Labcorp Genetics (formerly Invitae), Labcorp
Classification: Uncertain significance. Last evaluated: 2025-07-30. Review status: criteria provided, single submitter. Criteria: Invitae Variant Classification Sherloc (09022015). Collection method: clinical testing. Allele origin: germline.
Comment: This sequence change falls in intron 38 of the C3 gene. It does not directly change the encoded amino acid sequence of the C3 protein. It affects a nucleotide within the consensus splice site. This variant is present in population databases (rs773558774, gnomAD 0.007%). This variant has not been reported in the literature in individuals affected with C3-related conditions. Variants that disrupt the consensus splice site are a relatively common cause of aberrant splicing (PMID: 17576681, 9536098). Algorithms developed to predict the effect of sequence changes on RNA splicing suggest that this variant is not likely to affect RNA splicing. In summary, the available evidence is currently insufficient to determine the role of this variant in disease. Therefore, it has been classified as a Variant of Uncertain Significance.

Literature cited by the submitters: PubMed 17576681; PubMed 9536098.

NM_000064.4(C3):c.4630+6T>C

Gene: C3 (complement C3; minus strand). Cytogenetic location: 19p13.3.
Variant type: single nucleotide variant.
Coding change: c.4630+6T>C on transcript NM_000064.4 (MANE Select); 6 bases into the intron after coding-DNA position 4630, T replaced by C.
Molecular consequence: intron variant.
Genome position (GRCh38, 1-based): chr19:6,679,119, A>G on the plus strand (T>C on the coding strand, the complement: C3 is on the minus strand). VCF-style: chr19-6679119-A-G. GRCh37 (hg19) VCF-style: chr19-6679130-A-G.
Identifiers: ClinVar variation 4697909 (VCV004697909.1).
Genomic context (GRCh38, chr19:6,679,119, plus strand): 5'-ACCACCCACCACACAATTGGACACACACAGCTAAACATGCGTGACCCCCACCCATCACCC[A>G]CTCACCATAGTCCACTCCTGGCTCACAGGCCTTGTCCAGCCGTTCTTCCAGGGTGACCTT-3'